The following is an entry in ClinVar:

NM_001401501.2(MUC16):c.3918A>C (p.Lys1306Asn)

Gene: MUC16 (mucin 16, cell surface associated; minus strand). Cytogenetic location: 19p13.2.
Variant type: single nucleotide variant.
Coding change: c.3918A>C on transcript NM_001401501.2 (MANE Select); coding-DNA position 3918, A replaced by C.
Protein change: p.Lys1306Asn; replaces lysine 1306 with asparagine.
Molecular consequence: missense variant.
Genome position (GRCh38, 1-based): chr19:8,977,341, T>G on the plus strand (A>C on the coding strand, the complement: MUC16 is on the minus strand). VCF-style: chr19-8977341-T-G. GRCh37 (hg19) VCF-style: chr19-9088017-T-G.
Other names: c.4344A>C, p.Lys1448Asn (NM_001414686.1); c.3798A>C, p.Lys1266Asn (NM_001414687.1, NM_024690.2); short protein forms K1266N, K1306N, K1448N.
Identifiers: ClinVar variation 3059093 (VCV003059093.2), dbSNP rs1596797, ClinGen allele CA9172942.

ClinVar aggregate classification (germline): Benign (0 of 4 stars; one submission).

Conditions:
MUC16-related disorder. Also called: MUC16-related condition.

Allele frequency attached by ClinVar (database versions not stated): ESP Exome Variant Server 0.76919; TOPMed 0.77622; 1000 Genomes Project 0.79633; 1000 Genomes Project 30x 0.79997.

Submission:

PreventionGenetics, part of Exact Sciences
Classification: Benign for MUC16-related condition. Last evaluated: 2019-10-17. Review status: no assertion criteria provided. Collection method: clinical testing. Allele origin: germline.
Comment: This variant is classified as benign based on ACMG/AMP sequence variant interpretation guidelines (Richards et al. 2015 PMID: 25741868, with internal and published modifications).